The following is an entry in ClinVar:

ClinVar aggregate classification (germline): Uncertain significance (1 of 4 stars; one submission).

Conditions:
Developmental and epileptic encephalopathy, 69. Also called: EPILEPTIC ENCEPHALOPATHY, EARLY INFANTILE, 69. Identifiers: MedGen C4748988, MONDO:0032657, OMIM 618285.

Allele frequency attached by ClinVar (database versions not stated): gnomAD exomes below 0.00001.
gnomAD v4.1: 1 of 1,613,124 alleles (0.000062%); no homozygotes.

Submission:

Center for Human Genetics and Genomic Medicine, Uniklinik Rwth Aachen
Classification: Uncertain significance for Developmental and epileptic encephalopathy, 69. Last evaluated: 2021-12-23. Review status: criteria provided, single submitter. Criteria: ACMG Guidelines, 2015. Collection method: clinical testing. Allele origin: unknown. Affected: yes.
Comment: The variant p.(Glu2104Lys) has not yet been reported in databases or in the literature. Bioinformatic prediction tools give ambiguous results. Segregation analyses in the parents could not be performed, therefore the variant is regarded as a variant of uncertain significance.

NM_001205293.3(CACNA1E):c.6310G>A (p.Glu2104Lys)

Gene: CACNA1E (calcium voltage-gated channel subunit alpha1 E; plus strand). Cytogenetic location: 1q25.3.
Variant type: single nucleotide variant.
Coding change: c.6310G>A on transcript NM_001205293.3 (MANE Select); coding-DNA position 6310, G replaced by A.
Protein change: p.Glu2104Lys; replaces glutamic acid 2104 with lysine.
Molecular consequence: missense variant.
Genome position (GRCh38, 1-based): chr1:181,796,769, G>A. VCF-style: chr1-181796769-G-A. GRCh37 (hg19) VCF-style: chr1-181765905-G-A.
Other names: c.6181G>A, p.Glu2061Lys (NM_000721.4); c.6124G>A, p.Glu2042Lys (NM_001205294.2); short protein forms E2042K, E2061K, E2104K.
Identifiers: ClinVar variation 1328966 (VCV001328966.3), dbSNP rs1553361137, ClinGen allele CA343633443.